The following is an entry in ClinVar:

ClinVar aggregate classification (germline): Uncertain significance (1 of 4 stars; one submission).

Conditions:
Myofibrillar myopathy 3 (MFM3). Also called: Muscular dystrophy, proximal, type 1A; Autosomal dominant spheroid body myopathy. Identifiers: Orphanet 266, Orphanet 268129, MedGen C3714934, MONDO:0012215, OMIM 609200.

Submission:

Labcorp Genetics (formerly Invitae), Labcorp
Classification: Uncertain significance for Myofibrillar myopathy 3. Last evaluated: 2025-11-19. Review status: criteria provided, single submitter. Criteria: Invitae Variant Classification Sherloc (09022015). Collection method: clinical testing. Allele origin: germline.
Comment: This sequence change replaces threonine, which is neutral and polar, with serine, which is neutral and polar, at codon 393 of the MYOT protein (p.Thr393Ser). This variant is not present in population databases (gnomAD no frequency). This variant has not been reported in the literature in individuals affected with MYOT-related conditions. Invitae Evidence Modeling of protein sequence and biophysical properties (such as structural, functional, and spatial information, amino acid conservation, physicochemical variation, residue mobility, and thermodynamic stability) indicates that this missense variant is not expected to disrupt MYOT protein function with a negative predictive value of 80%. In summary, the available evidence is currently insufficient to determine the role of this variant in disease. Therefore, it has been classified as a Variant of Uncertain Significance.

NM_006790.3(MYOT):c.1178C>G (p.Thr393Ser)

Genes: PKD2L2-DT (PKD2L2 divergent transcript; minus strand), MYOT (myotilin; plus strand). Cytogenetic location: 5q31.2.
Variant type: single nucleotide variant.
Coding change: c.1178C>G on transcript NM_006790.3 (MANE Select); coding-DNA position 1178, C replaced by G.
Protein change: p.Thr393Ser; replaces threonine 393 with serine.
Molecular consequence: missense variant.
Genome position (GRCh38, 1-based): chr5:137,886,201, C>G. VCF-style: chr5-137886201-C-G. GRCh37 (hg19) VCF-style: chr5-137221890-C-G.
Other names: c.626C>G, p.Thr209Ser (NM_001135940.2); c.833C>G, p.Thr278Ser (NM_001300911.2); short protein forms T393S, T209S, T278S.
Identifiers: ClinVar variation 4741690 (VCV004741690.1).